The following is an entry in ClinVar:

NM_198859.4(PRICKLE2):c.2191A>G (p.Ser731Gly)

Genes: PRICKLE2-AS1 (PRICKLE2 antisense RNA 1; plus strand), PRICKLE2 (prickle planar cell polarity protein 2; minus strand). Cytogenetic location: 3p14.1.
Variant type: single nucleotide variant.
Coding change: c.2191A>G on transcript NM_198859.4 (MANE Select); coding-DNA position 2191, A replaced by G.
Protein change: p.Ser731Gly; replaces serine 731 with glycine.
Molecular consequence: missense variant. On other transcripts: non-coding transcript variant (1).
Genome position (GRCh38, 1-based): chr3:64,099,395, T>C on the plus strand (A>G on the coding strand, the complement: PRICKLE2 is on the minus strand). VCF-style: chr3-64099395-T-C. GRCh37 (hg19) VCF-style: chr3-64085071-T-C.
Other names: c.2191A>G, p.Ser731Gly (NM_001370528.1); short protein forms S731G.
Identifiers: ClinVar variation 198931 (VCV000198931.17), dbSNP rs148689951, ClinGen allele CA247841.

ClinVar aggregate classification (germline): Conflicting classifications of pathogenicity. Review status: criteria provided, conflicting classifications (1 of 4 stars). 3 submissions from 3 submitters: Uncertain significance (1); Likely benign (1). 1 of the submissions does not count toward it. Last evaluated 2025-10-27.

Conditions:
PRICKLE2-related disorder. Also called: PRICKLE2-related condition.
Progressive myoclonic epilepsy type 5. Identifiers: Orphanet 402082, MedGen C5190799.

Allele frequency attached by ClinVar (database versions not stated): gnomAD exomes 0.00008 and 0.00025; ExAC 0.00029; 1000 Genomes Project 30x 0.00047; 1000 Genomes Project 0.00060; gnomAD 0.00087 and 0.00097; TOPMed 0.00104; ESP Exome Variant Server 0.00108.
gnomAD v4.1: 240 of 1,601,222 alleles (0.015%); highest among the groups gnomAD compares: African/African-American, 0.31%; 1 homozygote.

Submissions (3):

Labcorp Genetics (formerly Invitae), Labcorp
Classification: Likely benign for Progressive myoclonic epilepsy type 5. Last evaluated: 2025-10-27. Review status: criteria provided, single submitter. Criteria: Invitae Variant Classification Sherloc (09022015). Collection method: clinical testing. Allele origin: germline.

Eurofins Ntd Llc (ga)
Classification: Uncertain significance. Last evaluated: 2017-04-14. Review status: criteria provided, single submitter. Criteria: EGL Classification Definitions 2015. Collection method: clinical testing. Allele origin: germline. Observed: 3 variant alleles, 3 heterozygotes.

PreventionGenetics, part of Exact Sciences
Classification: Likely benign for PRICKLE2-related condition. Last evaluated: 2019-04-17. Review status: no assertion criteria provided. Collection method: clinical testing. Allele origin: germline. Not counted in ClinVar's aggregate classification.
Comment: This variant is classified as likely benign based on ACMG/AMP sequence variant interpretation guidelines (Richards et al. 2015 PMID: 25741868, with internal and published modifications).